The following is an entry in ClinVar:

NC_000013.10:g.(?_52540123)_(52548920_?)del

Gene: ATP7B (ATPase copper transporting beta; minus strand). Cytogenetic location: 13q14.3.
Variant type: Deletion.
Identifiers: ClinVar variation 3244115 (VCV003244115.1).

ClinVar aggregate classification (germline): Pathogenic (1 of 4 stars; one submission).

Conditions:
Wilson disease (WND). Also called: Wilson's disease. Identifiers: Orphanet 905, MedGen C0019202, MONDO:0010200, OMIM 277900. Disease mechanism: loss of function.

Submission:

Labcorp Genetics (formerly Invitae), Labcorp
Classification: Pathogenic for Wilson disease. Last evaluated: 2023-05-30. Review status: criteria provided, single submitter. Criteria: Invitae Variant Classification Sherloc (09022015). Collection method: clinical testing. Allele origin: unknown.
Comment: This variant has not been reported in the literature in individuals affected with ATP7B-related conditions. This variant results in the deletion of part of exon 2 and exons 3-4 (c.436_1708-954del) of the ATP7B gene. It is expected to disrupt RNA splicing. Variants that disrupt the donor or acceptor splice site typically lead to a loss of protein function (PMID: 16199547), and loss-of-function variants in ATP7B are known to be pathogenic (PMID: 10441329, 16283883). For these reasons, this variant has been classified as Pathogenic. This variant disrupts a region of the ATP7B protein in which other variant(s) (p.Asp196Glu) have been determined to be pathogenic (PMID: 24119323, 26483271, 30702195). This suggests that this is a clinically significant region of the protein, and that variants that disrupt it are likely to be disease-causing.

Literature cited by the submitters: PubMed 16199547; PubMed 10441329; PubMed 16283883; PubMed 24119323; PubMed 26483271; PubMed 30702195.